The following is an entry in ClinVar:

ClinVar aggregate classification (germline): Likely pathogenic (1 of 4 stars; one submission).

Conditions:
Multiple mitochondrial dysfunctions syndrome 3 (MMDS3). Identifiers: Orphanet 363424, MedGen C3809165, MONDO:0014132, OMIM 615330.
Hereditary spastic paraplegia 74. Also called: Spastic paraplegia 74, autosomal recessive. Identifiers: Orphanet 468661, MedGen C5568837, MONDO:0014644, OMIM 616451.

Allele frequency attached by ClinVar (database versions not stated): gnomAD exomes below 0.00001; TOPMed 0.00001.
gnomAD v4.1: 2 of 1,482,208 alleles (0.00013%); highest among the groups gnomAD compares: Non-Finnish European, 0.00018%; no homozygotes.

Submission:

Labcorp Genetics (formerly Invitae), Labcorp
Classification: Likely pathogenic for Multiple mitochondrial dysfunctions syndrome 3; Hereditary spastic paraplegia 74. Last evaluated: 2022-10-26. Review status: criteria provided, single submitter. Criteria: Invitae Variant Classification Sherloc (09022015). Collection method: clinical testing. Allele origin: germline.
Comment: In summary, the currently available evidence indicates that the variant is pathogenic, but additional data are needed to prove that conclusively. Therefore, this variant has been classified as Likely Pathogenic. Algorithms developed to predict the effect of sequence changes on RNA splicing suggest that this variant may disrupt the consensus splice site. ClinVar contains an entry for this variant (Variation ID: 1067695). This variant has not been reported in the literature in individuals affected with IBA57-related conditions. This variant is not present in population databases (gnomAD no frequency). This sequence change affects a donor splice site in intron 1 of the IBA57 gene. It is expected to disrupt RNA splicing. Variants that disrupt the donor or acceptor splice site typically lead to a loss of protein function (PMID: 16199547), and loss-of-function variants in IBA57 are known to be pathogenic (PMID: 23462291, 25971455, 27785568, 28671726).

Literature cited by the submitters: PubMed 16199547; PubMed 23462291; PubMed 25971455; PubMed 27785568; PubMed 28671726.

NM_001010867.4(IBA57):c.341+1G>T

Gene: IBA57 (iron-sulfur cluster assembly factor IBA57; plus strand). Cytogenetic location: 1q42.13.
Variant type: single nucleotide variant.
Coding change: c.341+1G>T on transcript NM_001010867.4 (MANE Select); the canonical splice donor site of the intron after coding-DNA position 341, G replaced by T.
Molecular consequence: splice donor variant.
Genome position (GRCh38, 1-based): chr1:228,166,158, G>T. VCF-style: chr1-228166158-G-T. GRCh37 (hg19) VCF-style: chr1-228353859-G-T.
Identifiers: ClinVar variation 1067695 (VCV001067695.10), dbSNP rs1250537283, ClinGen allele CA345106938.